The following is an entry in ClinVar:

ClinVar aggregate classification (germline): Uncertain significance. Review status: criteria provided, multiple submitters, no conflicts (2 of 4 stars). 5 submissions from 5 submitters: Uncertain significance (4). 1 of the submissions does not count toward it. Last evaluated 2026-06-12.

Conditions:
Cholestanol storage disease (CTX). Also called: CEREBRAL CHOLESTERINOSIS; Cerebrotendinous Xanthomatosis; CTX: Cerebrotendinous xanthomatosis. Identifiers: Orphanet 909, MedGen C0238052, MONDO:0008948, OMIM 213700.
CYP27A1-related disorder. Also called: CYP27A1-related condition.

Submissions (5):

PreventionGenetics, part of Exact Sciences
Classification: Uncertain significance for CYP27A1-related condition. Last evaluated: 2026-06-12. Review status: criteria provided, single submitter. Criteria: ACMG Guidelines, 2015. Collection method: clinical testing. Allele origin: germline.
Comment: The CYP27A1 c.207_209delCTT variant is predicted to result in an in-frame deletion (p.Phe70del). To our knowledge, this variant has not been reported in the literature. This variant is reported in 0.0080% of alleles in individuals of African descent in gnomAD. At this time, the clinical significance of this variant is uncertain due to the absence of conclusive functional and genetic evidence.

GeneDx
Classification: Uncertain significance. Last evaluated: 2025-02-26. Review status: criteria provided, single submitter. Criteria: GeneDx Variant Classification Process June 2021. Collection method: clinical testing. Allele origin: germline.
Comment: In-frame deletion of 1 amino acid(s) in a non-repeat region; In silico analysis supports a deleterious effect on protein structure/function; Has not been previously published as pathogenic or benign to our knowledge

Labcorp Genetics (formerly Invitae), Labcorp
Classification: Uncertain significance for Cholestanol storage disease. Last evaluated: 2022-10-13. Review status: criteria provided, single submitter. Criteria: Invitae Variant Classification Sherloc (09022015). Collection method: clinical testing. Allele origin: germline.
Comment: This variant, c.207_209del, results in the deletion of 1 amino acid(s) of the CYP27A1 protein (p.Phe70del), but otherwise preserves the integrity of the reading frame. This variant is present in population databases (rs774193477, gnomAD 0.006%). This variant has not been reported in the literature in individuals affected with CYP27A1-related conditions. ClinVar contains an entry for this variant (Variation ID: 550863). In summary, the available evidence is currently insufficient to determine the role of this variant in disease. Therefore, it has been classified as a Variant of Uncertain Significance.

CeGaT Center for Human Genetics Tuebingen
Classification: Uncertain significance. Last evaluated: 2018-11-01. Review status: criteria provided, single submitter. Criteria: CeGaT Center For Human Genetics Tuebingen Variant Classification Criteria Version 2. Collection method: clinical testing. Allele origin: germline. Affected: yes. Observed: 1 variant allele.

Counsyl
Classification: Uncertain significance for Cholestanol storage disease. Last evaluated: 2017-03-13. Review status: no assertion criteria provided. Collection method: clinical testing. Allele origin: unknown. Not counted in ClinVar's aggregate classification.

NM_000784.4(CYP27A1):c.201CTT[2] (p.Phe70del)

Gene: CYP27A1 (cytochrome P450 family 27 subfamily A member 1; plus strand). Cytogenetic location: 2q35.
Variant type: Microsatellite.
Coding change: c.201CTT[2] on transcript NM_000784.4 (MANE Select); two copies in a row of the 3-base unit CTT starting at c.201; the reference has three copies in a row; one copy, 3 bases deleted; also written c.207_209del.
Protein change: p.Phe70del; deletes phenylalanine 70.
Molecular consequence: inframe deletion.
Genome position (GRCh38, 1-based): chr2:218,782,389-218,782,391, CTT deleted; deleting any 3 consecutive bases within chr2:218,782,383-218,782,391 gives the same sequence; the position shown is the placement nearest the transcript's 3' end. VCF-style (leftmost placement, unchanged base first): chr2-218782382-GCTT-G. GRCh37 (hg19) VCF-style: chr2-219647105-GCTT-G.
Other names: c.207_209delCTT (NM_000784.3); c.207_209del (NM_000784.3); short protein forms F70del.
Identifiers: ClinVar variation 550863 (VCV000550863.49), dbSNP rs774193477, ClinGen allele CA2112532.